The following is an entry in ClinVar:

Conditions:
Breast-ovarian cancer, familial, susceptibility to, 1 (BROVCA1). Also called: BRCA1 Hereditary Breast and Ovarian Cancer; OVARIAN CANCER, SUSCEPTIBILITY TO. Identifiers: Orphanet 145, MedGen C2676676, MONDO:0011450, OMIM 604370. Disease mechanism: loss of function.

Submission:

Brotman Baty Institute, University of Washington
No classification provided (evidence only). Condition: Breast-ovarian cancer, familial 1. Review status: no classification provided. Collection method: in vitro. Allele origin: not applicable. Functional consequence: functionally_normal.
ClinVar note: "not provided" was previously submitted as the classification for the variant. However, the classification appeared to be based only on an observation of functional data so it was converted to no classification on 2025-07-30.

NM_007294.4(BRCA1):c.4986+7G>C

Gene: BRCA1 (BRCA1 DNA repair associated; minus strand). Cytogenetic location: 17q21.31.
Variant type: single nucleotide variant.
Coding change: c.4986+7G>C on transcript NM_007294.4 (MANE Select); 7 bases into the intron after coding-DNA position 4986, G replaced by C.
Molecular consequence: intron variant.
Genome position (GRCh38, 1-based): chr17:43,070,921, C>G on the plus strand (G>C on the coding strand, the complement: BRCA1 is on the minus strand). VCF-style: chr17-43070921-C-G. GRCh37 (hg19) VCF-style: chr17-41222938-C-G.
Other names: c.5046+7G>C (NM_001407591.1, NM_001407590.1); c.1551+7G>C (NM_001408441.1, NM_001408437.1, NM_001408442.1 and 10 more transcripts); c.1554+7G>C (NM_001408429.1, NM_001408426.1, NM_001408430.1 and 4 more transcripts); c.4857+7G>C (NM_001407683.1, NM_001407686.1, NM_001407685.1 and 6 more transcripts); c.4860+7G>C (NM_001407674.1, NM_001407939.1, NM_001407677.1 and 11 more transcripts); c.4863+7G>C (NM_001407919.1, NM_001407937.1, NM_001407669.1 and 6 more transcripts); c.1674+7G>C (NM_001407979.1, NM_001407982.1, NM_001407980.1 and 12 more transcripts); c.1677+7G>C (NM_001407977.1, NM_001407976.1, NM_001407974.1 and 3 more transcripts); and 71 more.
Identifiers: ClinVar variation 868893 (VCV000868893.3), dbSNP rs2052352092, ClinGen allele CA916080191.
Genomic context (GRCh38, chr17:43,070,921, plus strand): 5'-ACATAAAACTCTTTCCAGAATGTTGTTAAGTCTTAGTCATTAGGGAGATACATATGGATA[C>G]ACTCACAAATTCTTCTGGGGTCAGGCCAGACACCACCATGGACATTCTTTTGTTGACCCT-3'